The following is an entry in ClinVar:

NM_000321.3(RB1):c.1762T>G (p.Ser588Ala)

Gene: RB1 (RB transcriptional corepressor 1; plus strand). Cytogenetic location: 13q14.2.
Variant type: single nucleotide variant.
Coding change: c.1762T>G on transcript NM_000321.3 (MANE Select); coding-DNA position 1762, T replaced by G.
Protein change: p.Ser588Ala; replaces serine 588 with alanine.
Molecular consequence: missense variant.
Genome position (GRCh38, 1-based): chr13:48,453,059, T>G. VCF-style: chr13-48453059-T-G. GRCh37 (hg19) VCF-style: chr13-49027195-T-G.
Other names: c.1762T>G, p.Ser588Ala (NM_001407165.1); short protein forms S588A.
Identifiers: ClinVar variation 4762125 (VCV004762125.2).

ClinVar aggregate classification (germline): Uncertain significance. Review status: criteria provided, multiple submitters, no conflicts (2 of 4 stars). 2 submissions from 2 submitters: Uncertain significance (2). Last evaluated 2026-07-07.

Conditions:
Retinoblastoma (RB1). Also called: RETINOBLASTOMA, SOMATIC. Identifiers: Orphanet 790, MedGen C0035335, MeSH D012175, MONDO:0008380, OMIM 180200, HP:0009919. Disease mechanism: loss of function. Inheritance: Both sporadic and heritable forms are tested..
Hereditary cancer-predisposing syndrome. Also called: Hereditary Cancer Syndrome; Hereditary neoplastic syndrome; Neoplastic Syndromes, Hereditary; Tumor predisposition. Identifiers: Orphanet 140162, MedGen C0027672, MeSH D009386, MONDO:0015356.

Submissions (2):

Ambry Genetics
Classification: Uncertain significance for Hereditary cancer-predisposing syndrome. Last evaluated: 2026-07-07. Review status: criteria provided, single submitter. Criteria: Ambry Variant Classification Scheme 2023. Collection method: clinical testing. Allele origin: germline.
Comment: The p.S588A variant (also known as c.1762T>G), located in coding exon 18 of the RB1 gene, results from a T to G substitution at nucleotide position 1762. The serine at codon 588 is replaced by alanine, an amino acid with similar properties. This amino acid position is conserved. In addition, this alteration is predicted to be tolerated by in silico analysis. Based on the available evidence, the clinical significance of this variant remains unclear.

Labcorp Genetics (formerly Invitae), Labcorp
Classification: Uncertain significance for Retinoblastoma. Last evaluated: 2025-04-17. Review status: criteria provided, single submitter. Criteria: Invitae Variant Classification Sherloc (09022015). Collection method: clinical testing. Allele origin: germline.
Comment: This sequence change replaces serine, which is neutral and polar, with alanine, which is neutral and non-polar, at codon 588 of the RB1 protein (p.Ser588Ala). This variant is not present in population databases (gnomAD no frequency). This variant has not been reported in the literature in individuals affected with RB1-related conditions. Invitae Evidence Modeling of protein sequence and biophysical properties (such as structural, functional, and spatial information, amino acid conservation, physicochemical variation, residue mobility, and thermodynamic stability) indicates that this missense variant is not expected to disrupt RB1 protein function with a negative predictive value of 80%. In summary, the available evidence is currently insufficient to determine the role of this variant in disease. Therefore, it has been classified as a Variant of Uncertain Significance.